The following is an entry in ClinVar:

ClinVar aggregate classification (germline): Pathogenic (1 of 4 stars; one submission).

Submission:

Labcorp Genetics (formerly Invitae), Labcorp
Classification: Pathogenic. Last evaluated: 2021-12-30. Review status: criteria provided, single submitter. Criteria: Invitae Variant Classification Sherloc (09022015). Collection method: clinical testing. Allele origin: germline.
Comment: For these reasons, this variant has been classified as Pathogenic. This variant has not been reported in the literature in individuals affected with KIF11-related conditions. This variant is not present in population databases (gnomAD no frequency). This sequence change creates a premature translational stop signal (p.Asn895Lysfs*5) in the KIF11 gene. It is expected to result in an absent or disrupted protein product. Loss-of-function variants in KIF11 are known to be pathogenic (PMID: 22284827, 24281367).

Literature cited by the submitters: PubMed 22284827; PubMed 24281367.

NM_004523.4(KIF11):c.2684dup (p.Asn895fs)

Gene: KIF11 (kinesin family member 11; plus strand). Cytogenetic location: 10q23.33.
Variant type: Duplication.
Coding change: c.2684dup on transcript NM_004523.4 (MANE Select); coding-DNA position 2684, one base duplicated (A; older notation c.2684dupA).
Protein change: p.Asn895fs; shifts the reading frame from asparagine 895.
Molecular consequence: frameshift variant.
Genome position (GRCh38, 1-based): chr10:92,648,348, A duplicated; the last of 4 consecutive A bases (chr10:92,648,345-92,648,348); duplicating any one gives the same sequence. VCF-style (leftmost placement, unchanged base first): chr10-92648344-C-CA. GRCh37 (hg19) VCF-style: chr10-94408101-C-CA.
Other names: short protein forms N895fs.
Identifiers: ClinVar variation 2058522 (VCV002058522.4), dbSNP rs2492541014, ClinGen allele CA2580082308.